The following is an entry in ClinVar:

ClinVar aggregate classification (germline): Uncertain significance (1 of 4 stars; one submission).

Conditions:
Multiple endocrine neoplasia, type 2 (MEN2). Identifiers: Orphanet 653, MedGen C4048306, MONDO:0019003. Disease mechanism: gain of function.

Submission:

Labcorp Genetics (formerly Invitae), Labcorp
Classification: Uncertain significance for Multiple endocrine neoplasia, type 2. Last evaluated: 2021-10-14. Review status: criteria provided, single submitter. Criteria: Invitae Variant Classification Sherloc (09022015). Collection method: clinical testing. Allele origin: germline.
Comment: This sequence change replaces glutamic acid with glutamine at codon 595 of the RET protein (p.Glu595Gln). The glutamic acid residue is highly conserved and there is a small physicochemical difference between glutamic acid and glutamine. This variant is not present in population databases (ExAC no frequency). This missense change has been observed in individual(s) with Hirschsprung disease (PMID: 22174939). Algorithms developed to predict the effect of missense changes on protein structure and function are either unavailable or do not agree on the potential impact of this missense change (SIFT: "Tolerated"; PolyPhen-2: "Possibly Damaging"; Align-GVGD: "Class C0"). In summary, the available evidence is currently insufficient to determine the role of this variant in disease. Therefore, it has been classified as a Variant of Uncertain Significance.

Literature cited by the submitters: PubMed 22174939.

NM_020975.6(RET):c.1783G>C (p.Glu595Gln)

Gene: RET (ret proto-oncogene; plus strand). Cytogenetic location: 10q11.21.
Variant type: single nucleotide variant.
Coding change: c.1783G>C on transcript NM_020975.6 (MANE Select); coding-DNA position 1783, G replaced by C.
Protein change: p.Glu595Gln; replaces glutamic acid 595 with glutamine.
Molecular consequence: missense variant.
Genome position (GRCh38, 1-based): chr10:43,113,579, G>C. VCF-style: chr10-43113579-G-C. GRCh37 (hg19) VCF-style: chr10-43609027-G-C.
Other names: c.1783G>C, p.Glu595Gln (NM_000323.2, NM_001406743.1, NM_001406744.1 and 6 more transcripts); c.1021G>C, p.Glu341Gln (NM_001355216.2); c.1654G>C, p.Glu552Gln (NM_001406761.1, NM_001406762.1, NM_001406764.1 and 1 more transcripts); c.1495G>C, p.Glu499Gln (NM_001406766.1, NM_001406767.1, NM_001406770.1); c.1387G>C, p.Glu463Gln (NM_001406769.1, NM_001406772.1); c.1345G>C, p.Glu449Gln (NM_001406771.1, NM_001406773.1); c.1258G>C, p.Glu420Gln (NM_001406774.1); c.1057G>C, p.Glu353Gln (NM_001406775.1, NM_001406776.1, NM_001406777.1 and 1 more transcripts); and 5 more; short protein forms E595Q, E341Q, E200Q, E253Q, E296Q, E499Q, E449Q, E463Q.
Identifiers: ClinVar variation 1406177 (VCV001406177.6), dbSNP rs1483605155, ClinGen allele CA376552526.
Genomic context (GRCh38, chr10:43,113,579, plus strand): 5'-CGCCCCAGGAGGCTGAGTGGGCTACGTCTGCCCTCAGGGGGCAGCATTGTTGGGGGACAC[G>C]AGCCTGGGGAGCCCCGGGGGATTAAAGCTGGCTATGGCACCTGCAACTGCTTCCCTGAGG-3'
Protein context (NP_066124.1, residues 585-605): CLRGSIVGGH[Glu595Gln]PGEPRGIKAG